The following is an entry in ClinVar:

ClinVar aggregate classification (germline): Pathogenic. Review status: reviewed by expert panel (3 of 4 stars). 4 submissions from 4 submitters: Pathogenic (1). 3 of the submissions do not count toward it. Last evaluated 2017-12-15.

Conditions:
Hereditary cancer-predisposing syndrome. Also called: Hereditary neoplastic syndrome; Hereditary Cancer Syndrome; Neoplastic Syndromes, Hereditary; Tumor predisposition. Identifiers: Orphanet 140162, MedGen C0027672, MeSH D009386, MONDO:0015356.
Breast-ovarian cancer, familial, susceptibility to, 2 (BROVCA2). Also called: BRCA2 Hereditary Breast and Ovarian Cancer. Identifiers: Orphanet 145, MedGen C2675520, MONDO:0012933, OMIM 612555. Disease mechanism: loss of function.
Hereditary breast ovarian cancer syndrome. Also called: Hereditary breast and ovarian cancer syndrome; BRCA1- and BRCA2-Associated Hereditary Breast and Ovarian Cancer; Hereditary breast and/or ovarian cancer syndrome; Hereditary breast and ovarian cancer; Breast and ovarian cancer; Hereditary breast and ovarian cancer syndrome (HBOC). Identifiers: Orphanet 145, MedGen C0677776, MeSH D061325, MONDO:0003582. Disease mechanism: loss of function.

Submissions (4):

Evidence-based Network for the Interpretation of Germline Mutant Alleles (ENIGMA)
Classification: Pathogenic for Breast-ovarian cancer, familial, susceptibility to, 2. Last evaluated: 2017-12-15. Review status: reviewed by expert panel. Criteria: ENIGMA BRCA1/2 Classification Criteria (2017-06-29). Collection method: curation. Allele origin: germline. Study: ENIGMA.
Comment: Variant allele predicted to encode a truncated non-functional protein.

Ambry Genetics
Classification: Pathogenic for Hereditary cancer-predisposing syndrome. Last evaluated: 2020-09-28. Review status: criteria provided, single submitter. Criteria: Ambry Variant Classification Scheme 2023. Collection method: clinical testing. Allele origin: germline. Not counted in ClinVar's aggregate classification.
Comment: The c.7459_7484del26 pathogenic mutation, located in coding exon 14 of the BRCA2 gene, results from a deletion of 26 nucleotides at nucleotide positions 7459 to 7484, causing a translational frameshift with a predicted alternate stop codon (p.A2487*). This alteration is expected to result in loss of function by premature protein truncation or nonsense-mediated mRNA decay. As such, this alteration is interpreted as a disease-causing mutation.

Labcorp Genetics (formerly Invitae), Labcorp
Classification: Pathogenic for Hereditary breast ovarian cancer syndrome. Last evaluated: 2019-07-06. Review status: criteria provided, single submitter. Criteria: Invitae Variant Classification Sherloc (09022015). Collection method: clinical testing. Allele origin: germline. Not counted in ClinVar's aggregate classification.
Comment: For these reasons, this variant has been classified as Pathogenic. This sequence change creates a premature translational stop signal (p.Ala2487*) in the BRCA2 gene. It is expected to result in an absent or disrupted protein product. This variant is not present in population databases (ExAC no frequency). This variant has not been reported in the literature in individuals with BRCA2-related conditions. ClinVar contains an entry for this variant (Variation ID: 422598). Loss-of-function variants in BRCA2 are known to be pathogenic (PMID: 20104584).

GeneDx
Classification: Pathogenic. Last evaluated: 2016-10-21. Review status: criteria provided, single submitter. Criteria: GeneDx Variant Classification (06012015). Collection method: clinical testing. Allele origin: germline. Affected: yes. Not counted in ClinVar's aggregate classification.
Comment: This deletion of 26 nucleotides is denoted BRCA2 c.7459_7484del26 at the cDNA level and p.Ala2487Ter (A2487X) at the protein level. The normal sequence, with the bases that are deleted in braces, is GAAT[del26]TAAG. The deletion creates a nonsense variant, which changes an Alanine to a premature stop codon. Although this variant has not been previously reported to our knowledge, it is predicted to cause loss of normal protein function through either protein truncation or nonsense-mediated mRNA decay, and is considered pathogenic.

Literature cited by the submitters: PubMed 20104584 (cited by Labcorp Genetics (formerly Invitae), Labcorp).

NM_000059.4(BRCA2):c.7459_7484del (p.Asn2486_Ala2487insTer)

Gene: BRCA2 (BRCA2 DNA repair associated; plus strand). Cytogenetic location: 13q13.1.
Variant type: Deletion.
Coding change: c.7459_7484del on transcript NM_000059.4 (MANE Select); coding-DNA positions 7459 to 7484, 26 bases deleted (GCCAGAGATATACAGGATATGCGAAT).
Protein change: p.Asn2486_Ala2487insTer.
Molecular consequence: nonsense.
Genome position (GRCh38, 1-based): chr13:32,356,451-32,356,476, GCCAGAGATATACAGGATATGCGAAT deleted; deleting any 26 consecutive bases within chr13:32,356,447-32,356,476 gives the same sequence; the c. name uses the placement nearest the transcript's 3' end. VCF-style (leftmost placement, unchanged base first): chr13-32356446-AGAATGCCAGAGATATACAGGATATGC-A. GRCh37 (hg19) VCF-style: chr13-32930583-AGAATGCCAGAGATATACAGGATATGC-A.
Other names: c.7459_7484del26 (NM_000059.3); c.7459_7484delGCCAGAGATATACAGGATATGCGAAT (NM_000059.3).
Identifiers: ClinVar variation 422598 (VCV000422598.12), dbSNP rs1064795884, ClinGen allele CA16619762.